The following is an entry in ClinVar:

ClinVar aggregate classification (germline): Uncertain significance. Review status: criteria provided, multiple submitters, no conflicts (2 of 4 stars). 2 submissions from 2 submitters: Uncertain significance (2). Last evaluated 2025-09-27.

Allele frequency attached by ClinVar (database versions not stated): gnomAD 0.00004; gnomAD exomes 0.00006 and 0.00012; TOPMed 0.00006; ESP Exome Variant Server 0.00008; ExAC 0.00037.

Submissions (2):

Labcorp Genetics (formerly Invitae), Labcorp
Classification: Uncertain significance. Last evaluated: 2025-09-27. Review status: criteria provided, single submitter. Criteria: Invitae Variant Classification Sherloc (09022015). Collection method: clinical testing. Allele origin: germline.
Comment: This sequence change replaces tyrosine, which is neutral and polar, with cysteine, which is neutral and slightly polar, at codon 270 of the FSCN2 protein (p.Tyr270Cys). This variant is present in population databases (rs368603459, gnomAD 0.03%). This variant has not been reported in the literature in individuals affected with FSCN2-related conditions. ClinVar contains an entry for this variant (Variation ID: 841503). An algorithm developed to predict the effect of missense changes on protein structure and function (PolyPhen-2) suggests that this variant is likely to be disruptive. In summary, the available evidence is currently insufficient to determine the role of this variant in disease. Therefore, it has been classified as a Variant of Uncertain Significance.

Ambry Genetics
Classification: Uncertain significance. Last evaluated: 2024-07-30. Review status: criteria provided, single submitter. Criteria: Ambry Variant Classification Scheme 2023. Collection method: clinical testing. Allele origin: germline.

NM_012418.4(FSCN2):c.809A>G (p.Tyr270Cys)

Gene: FSCN2 (fascin actin-bundling protein 2, retinal; plus strand). Cytogenetic location: 17q25.3.
Variant type: single nucleotide variant.
Coding change: c.809A>G on transcript NM_012418.4 (MANE Select); coding-DNA position 809, A replaced by G.
Protein change: p.Tyr270Cys; replaces tyrosine 270 with cysteine.
Molecular consequence: missense variant.
Genome position (GRCh38, 1-based): chr17:81,529,340, A>G. VCF-style: chr17-81529340-A-G. GRCh37 (hg19) VCF-style: chr17-79496366-A-G.
Other names: c.809A>G, p.Tyr270Cys (NM_001077182.3); short protein forms Y270C.
Identifiers: ClinVar variation 841503 (VCV000841503.9), dbSNP rs368603459, ClinGen allele CA8836781.
Genomic context (GRCh38, chr17:81,529,340, plus strand): 5'-AGCTCTTTGATCTGGAGGAGAGTCACCCACAGGTGGTGCTGGTGGCTGCCAACCACCGCT[A>G]CGTCTCTGTGCGGCAAGGTAGGGAGGGCACAGGTGGCGACCTCCTGAGGGGTGCTGGGAC-3'
Protein context (NP_036550.1, residues 260-280): QVVLVAANHR[Tyr270Cys]VSVRQGVNVS